The following is an entry in ClinVar:

NC_000007.14:g.263208G>T

Variant type: single nucleotide variant.
Genome position: GRCh38 VCF-style: chr7-263208-G-T. GRCh37 (hg19) VCF-style: chr7-303174-G-T.
Identifiers: ClinVar variation 4534427 (VCV004534427.6).

ClinVar aggregate classification (germline): Likely benign (1 of 4 stars; one submission).

Submission:

CeGaT Center for Human Genetics Tuebingen
Classification: Likely benign. Last evaluated: 2025-11-01. Review status: criteria provided, single submitter. Criteria: CeGaT Center For Human Genetics Tuebingen Variant Classification Criteria Version 2. Collection method: clinical testing. Allele origin: germline. Affected: yes. Observed: 1 variant allele.
Comment: AC187652.1: PM2:Supporting, BP4, BP7